The following is an entry in ClinVar:

ClinVar aggregate classification (germline): Uncertain significance (1 of 4 stars; one submission).

Allele frequency attached by ClinVar (database versions not stated): gnomAD exomes below 0.00001; TOPMed below 0.00001; ExAC 0.00001.

Submission:

Labcorp Genetics (formerly Invitae), Labcorp
Classification: Uncertain significance. Last evaluated: 2021-11-24. Review status: criteria provided, single submitter. Criteria: Invitae Variant Classification Sherloc (09022015). Collection method: clinical testing. Allele origin: germline.
Comment: Algorithms developed to predict the effect of missense changes on protein structure and function are either unavailable or do not agree on the potential impact of this missense change (SIFT: "Deleterious"; PolyPhen-2: "Possibly Damaging"; Align-GVGD: "Class C0"). In summary, the available evidence is currently insufficient to determine the role of this variant in disease. Therefore, it has been classified as a Variant of Uncertain Significance. This variant has not been reported in the literature in individuals affected with VPS13C-related conditions. This sequence change replaces glutamic acid, which is acidic and polar, with glycine, which is neutral and non-polar, at codon 314 of the VPS13C protein (p.Glu314Gly). This variant is present in population databases (rs779953296, gnomAD 0.006%).

NM_020821.3(VPS13C):c.941A>G (p.Glu314Gly)

Gene: VPS13C (vacuolar protein sorting 13 homolog C; minus strand). Cytogenetic location: 15q22.2.
Variant type: single nucleotide variant.
Coding change: c.941A>G on transcript NM_020821.3 (MANE Select); coding-DNA position 941, A replaced by G.
Protein change: p.Glu314Gly; replaces glutamic acid 314 with glycine.
Molecular consequence: missense variant.
Genome position (GRCh38, 1-based): chr15:62,010,542, T>C on the plus strand (A>G on the coding strand, the complement: VPS13C is on the minus strand). VCF-style: chr15-62010542-T-C. GRCh37 (hg19) VCF-style: chr15-62302741-T-C.
Other names: c.941A>G, p.Glu314Gly (NM_001018088.3); c.812A>G, p.Glu271Gly (NM_017684.5, NM_018080.4); short protein forms E314G, E271G.
Identifiers: ClinVar variation 1463291 (VCV001463291.6), dbSNP rs779953296, ClinGen allele CA7597287.